The following is an entry in ClinVar:

NM_001606.5(ABCA2):c.1540C>T (p.Arg514Cys)

Gene: ABCA2 (ATP binding cassette subfamily A member 2; minus strand). Cytogenetic location: 9q34.3.
Variant type: single nucleotide variant.
Coding change: c.1540C>T on transcript NM_001606.5 (MANE Select); coding-DNA position 1540, C replaced by T.
Protein change: p.Arg514Cys; replaces arginine 514 with cysteine.
Molecular consequence: missense variant.
Genome position (GRCh38, 1-based): chr9:137,019,192, G>A on the plus strand (C>T on the coding strand, the complement: ABCA2 is on the minus strand). VCF-style: chr9-137019192-G-A. GRCh37 (hg19) VCF-style: chr9-139913644-G-A.
Other names: c.1537C>T, p.Arg513Cys (NM_001411042.1); c.1630C>T, p.Arg544Cys (NM_212533.3); short protein forms R513C, R514C, R544C.
Identifiers: ClinVar variation 4534368 (VCV004534368.6).

ClinVar aggregate classification (germline): Likely benign (1 of 4 stars; one submission).

Submission:

CeGaT Center for Human Genetics Tuebingen
Classification: Likely benign. Last evaluated: 2025-10-01. Review status: criteria provided, single submitter. Criteria: CeGaT Center For Human Genetics Tuebingen Variant Classification Criteria Version 2. Collection method: clinical testing. Allele origin: germline. Affected: yes. Observed: 1 variant allele.
Comment: ABCA2: BP4